The following is an entry in ClinVar:

NM_021930.6(RINT1):c.1280A>T (p.His427Leu)

Gene: RINT1 (RAD50 interactor 1; plus strand). Cytogenetic location: 7q22.3.
Variant type: single nucleotide variant.
Coding change: c.1280A>T on transcript NM_021930.6 (MANE Select); coding-DNA position 1280, A replaced by T.
Protein change: p.His427Leu; replaces histidine 427 with leucine.
Molecular consequence: missense variant. On other transcripts: non-coding transcript variant (1).
Genome position (GRCh38, 1-based): chr7:105,550,433, A>T. VCF-style: chr7-105550433-A-T. GRCh37 (hg19) VCF-style: chr7-105190880-A-T.
Other names: c.1046A>T, p.His349Leu (NM_001346599.2); c.257A>T, p.His86Leu (NM_001346600.2, NM_001346603.2); c.356A>T, p.His119Leu (NM_001346601.2); short protein forms H119L, H86L, H349L, H427L.
Identifiers: ClinVar variation 5028273 (VCV005028273.1).
Genomic context (GRCh38, chr7:105,550,433, plus strand): 5'-TGTTTGAAAGGGAGCTACACAGTGTTCATGGCTATCCTGGCACTTTTGCTAGTTGTATGC[A>T]TATTCTATCAGAGGAAACCTGTTTTCAGAGATGGTTGACGGTGGAGAGAAAATGTAAGTG-3'
Protein context (NP_068749.3, residues 417-437): GYPGTFASCM[His427Leu]ILSEETCFQR

ClinVar aggregate classification (germline): Uncertain significance (1 of 4 stars; one submission).

Submission:

Ambry Genetics
Classification: Uncertain significance. Last evaluated: 2026-07-04. Review status: criteria provided, single submitter. Criteria: Ambry Variant Classification Scheme 2023. Collection method: clinical testing. Allele origin: germline.
Comment: The p.H427L variant (also known as c.1280A>T), located in coding exon 9 of the RINT1 gene, results from an A to T substitution at nucleotide position 1280. The histidine at codon 427 is replaced by leucine, an amino acid with similar properties. This amino acid position is conserved. In addition, the in silico prediction for this alteration is inconclusive. Based on the available evidence, the clinical significance of this variant remains unclear.